The following is an entry in ClinVar:

NM_130839.5(UBE3A):c.789C>T (p.Asn263=)

Genes: SNHG14 (small nucleolar RNA host gene 14; plus strand), UBE3A (ubiquitin protein ligase E3A; minus strand). Cytogenetic location: 15q11.2.
Variant type: single nucleotide variant.
Coding change: c.789C>T on transcript NM_130839.5 (MANE Select); coding-DNA position 789, C replaced by T.
Protein change: p.Asn263=; no amino-acid change (asparagine 263 retained).
Molecular consequence: synonymous variant. On other transcripts: non-coding transcript variant (1), intron variant (2).
Genome position (GRCh38, 1-based): chr15:25,371,385, G>A on the plus strand (C>T on the coding strand, the complement: UBE3A is on the minus strand). VCF-style: chr15-25371385-G-A. GRCh37 (hg19) VCF-style: chr15-25616532-G-A.
Other names: NM_130839.5(UBE3A):c.789C>T; p.Asn263=; c.729C>T, p.Asn243= (NM_001354508.2, NM_001354509.2, NM_001354511.2 and 17 more transcripts); c.789C>T, p.Asn263= (NM_001354538.2, NM_001354545.2, NM_001354505.1); c.612C>T, p.Asn204= (NM_001354546.2); c.301+4080C>T (NM_001354551.2); c.361+4080C>T (NM_001354550.2); c.798C>T, p.Asn266= (NM_000462.5).
Identifiers: ClinVar variation 499413 (VCV000499413.19), dbSNP rs1453409055, ClinGen allele CA489232958.

ClinVar aggregate classification (germline): Likely benign. Review status: reviewed by expert panel (3 of 4 stars). 5 submissions from 5 submitters: Likely benign (1). 4 of the submissions do not count toward it. Last evaluated 2023-06-16.

Conditions:
Inborn genetic diseases. Identifiers: MedGen C0950123, MeSH D030342.
Angelman syndrome (AS). Also called: HAPPY PUPPET SYNDROME. Identifiers: Orphanet 72, MedGen C0162635, MONDO:0007113, OMIM 105830. Disease mechanism: loss of function. Inheritance: AS is caused by disruption of maternally imprinted UBE3A located within the 15q11.2-q13 Angelman syndrome/Prader-Willi syndrome (AS/PWS) region., imprinting disorder.

Allele frequency attached by ClinVar (database versions not stated): gnomAD exomes below 0.00001 and 0.00001; TOPMed 0.00001; gnomAD 0.00003.
gnomAD v4.1: 20 of 1,613,896 alleles (0.0012%); highest among the groups gnomAD compares: Admixed American, 0.0017%; no homozygotes.

Submissions (5):

ClinGen Rett and Angelman-like Disorders Variant Curation Expert Panel
Classification: Likely benign for Angelman syndrome. Last evaluated: 2023-06-16. Review status: reviewed by expert panel. Criteria: ClinGen RettAS ACMG Specifications UBE3A V4.0.0. Collection method: curation. Allele origin: germline. Inheritance: Autosomal dominant inheritance.
Comment: The c.729C>T p.Asn243= variant in UBE3A (NM_130838.2) is present in gnomAD v2.1.1 at a frequency of 0.003% in the Latino/Admixed American sub population (no criteria met). The silent p.Asn243= variant is not predicted to affect splicing using multiple computational tools and does not affect a highly conserved nucleotide (BP4, BP7). In summary, the c.729C>T p.Asn243= variant in UBE3A is classified as Likely Benign based on the ACMG/AMP criteria (BP4, BP7).

Labcorp Genetics (formerly Invitae), Labcorp
Classification: Likely benign for Angelman syndrome. Last evaluated: 2025-10-02. Review status: criteria provided, single submitter. Criteria: Invitae Variant Classification Sherloc (09022015). Collection method: clinical testing. Allele origin: germline. Not counted in ClinVar's aggregate classification.

GeneDx
Classification: Likely benign. Last evaluated: 2021-05-18. Review status: criteria provided, single submitter. Criteria: GeneDx Variant Classification Process June 2021. Collection method: clinical testing. Allele origin: germline. Affected: yes. Not counted in ClinVar's aggregate classification.

Ambry Genetics
Classification: Likely benign for Inborn genetic diseases. Last evaluated: 2017-12-28. Review status: criteria provided, single submitter. Criteria: Ambry Variant Classification Scheme 2023. Collection method: clinical testing. Allele origin: germline. Not counted in ClinVar's aggregate classification.

Eurofins Ntd Llc (ga)
Classification: Uncertain significance. Last evaluated: 2017-01-09. Review status: criteria provided, single submitter. Criteria: EGL Classification Definitions 2015. Collection method: clinical testing. Allele origin: germline. Observed: 1 variant allele, 1 heterozygote. Not counted in ClinVar's aggregate classification.